The following is an entry in ClinVar:

NM_006031.6(PCNT):c.517A>G (p.Thr173Ala)

Gene: PCNT (pericentrin; plus strand). Cytogenetic location: 21q22.3.
Variant type: single nucleotide variant.
Coding change: c.517A>G on transcript NM_006031.6 (MANE Select); coding-DNA position 517, A replaced by G.
Protein change: p.Thr173Ala; replaces threonine 173 with alanine.
Molecular consequence: missense variant.
Genome position (GRCh38, 1-based): chr21:46,334,646, A>G. VCF-style: chr21-46334646-A-G. GRCh37 (hg19) VCF-style: chr21-47754560-A-G.
Other names: c.163A>G, p.Thr55Ala (NM_001315529.2); c.517A>G (NM_006031.5); short protein forms T173A, T55A.
Identifiers: ClinVar variation 1466037 (VCV001466037.7), dbSNP rs535358423, ClinGen allele CA10078286.

ClinVar aggregate classification (germline): Conflicting classifications of pathogenicity. Review status: criteria provided, conflicting classifications (1 of 4 stars). 3 submissions from 3 submitters: Uncertain significance (1); Likely benign (1). 1 of the submissions does not count toward it. Last evaluated 2024-10-08.

Conditions:
PCNT-related disorder. Also called: PCNT-related condition.
Microcephalic osteodysplastic primordial dwarfism type II (MOPD2). Also called: MOPD II; Microcephalic osteodysplastic primordial dwarfism with tooth abnormalities; OSTEODYSPLASTIC PRIMORDIAL DWARFISM, TYPE II. Identifiers: Orphanet 2637, MedGen C0432246, MONDO:0008872, OMIM 210720.

Allele frequency attached by ClinVar (database versions not stated): gnomAD 0.00001 and 0.00002; gnomAD exomes 0.00001 and 0.00007; TOPMed 0.00001; ExAC 0.00008; 1000 Genomes Project 30x 0.00031; 1000 Genomes Project 0.00040.
gnomAD v4.1: 36 of 1,604,618 alleles (0.0022%); highest among the groups gnomAD compares: East Asian, 0.031%; no homozygotes.

Submissions (3):

Labcorp Genetics (formerly Invitae), Labcorp
Classification: Uncertain significance. Last evaluated: 2024-10-08. Review status: criteria provided, single submitter. Criteria: Invitae Variant Classification Sherloc (09022015). Collection method: clinical testing. Allele origin: germline.
Comment: This sequence change replaces threonine, which is neutral and polar, with alanine, which is neutral and non-polar, at codon 173 of the PCNT protein (p.Thr173Ala). This variant is present in population databases (rs535358423, gnomAD 0.08%). This variant has not been reported in the literature in individuals affected with PCNT-related conditions. ClinVar contains an entry for this variant (Variation ID: 1466037). An algorithm developed to predict the effect of missense changes on protein structure and function (PolyPhen-2) suggests that this variant is likely to be disruptive. In summary, the available evidence is currently insufficient to determine the role of this variant in disease. Therefore, it has been classified as a Variant of Uncertain Significance.

3billion
Classification: Likely benign for Microcephalic osteodysplastic primordial dwarfism type II. Last evaluated: 2024-09-20. Review status: criteria provided, single submitter. Criteria: ACMG Guidelines, 2015. Collection method: clinical testing. Allele origin: germline. Affected: no.
Comment: The homozygous variant was found in patients diagnosed with another variant in a different gene, with no symptoms related to the gene containing the homozygous variant.

PreventionGenetics, part of Exact Sciences
Classification: Uncertain significance for PCNT-related condition. Last evaluated: 2024-02-27. Review status: no assertion criteria provided. Collection method: clinical testing. Allele origin: germline. Not counted in ClinVar's aggregate classification.
Comment: The PCNT c.517A>G variant is predicted to result in the amino acid substitution p.Thr173Ala. To our knowledge, this variant has not been reported in the literature. This variant is reported in 0.080% of alleles in individuals of East Asian descent in gnomAD. Although we suspect that this variant may be benign, at this time, the clinical significance of this variant is uncertain due to the absence of conclusive functional and genetic evidence.